The following is an entry in ClinVar:

ClinVar aggregate classification (germline): Uncertain significance. Review status: criteria provided, multiple submitters, no conflicts (2 of 4 stars). 2 submissions from 2 submitters: Uncertain significance (2). Last evaluated 2024-08-05.

Conditions:
Emery-Dreifuss muscular dystrophy (EDMD). Also called: Scapuloperoneal syndrome, X-linked (formerly); Humeroperoneal neuromuscular disease, (formerly). Identifiers: Orphanet 261, MedGen C0410189, MONDO:0016830.

Allele frequency attached by ClinVar (database versions not stated): gnomAD exomes below 0.00001; TOPMed below 0.00001; ExAC 0.00001.
gnomAD v4.1: 3 of 1,608,420 alleles (0.00019%); highest among the groups gnomAD compares: Non-Finnish European, 0.00025%; no homozygotes.

Submissions (2):

Ambry Genetics
Classification: Uncertain significance. Last evaluated: 2024-08-05. Review status: criteria provided, single submitter. Criteria: Ambry Variant Classification Scheme 2023. Collection method: clinical testing. Allele origin: germline.

Labcorp Genetics (formerly Invitae), Labcorp
Classification: Uncertain significance for Emery-Dreifuss muscular dystrophy. Last evaluated: 2020-09-13. Review status: criteria provided, single submitter. Criteria: Invitae Variant Classification Sherloc (09022015). Collection method: clinical testing. Allele origin: germline.
Comment: In summary, the available evidence is currently insufficient to determine the role of this variant in disease. Therefore, it has been classified as a Variant of Uncertain Significance. Algorithms developed to predict the effect of missense changes on protein structure and function are either unavailable or do not agree on the potential impact of this missense change (SIFT: "Tolerated"; PolyPhen-2: "Possibly Damaging"; Align-GVGD: "Class C0"). This variant has not been reported in the literature in individuals with SUN1-related conditions. This variant is present in population databases (rs780997836, ExAC 0.002%). This sequence change replaces aspartic acid with glycine at codon 157 of the SUN1 protein (p.Asp157Gly). The aspartic acid residue is moderately conserved and there is a moderate physicochemical difference between aspartic acid and glycine.

NM_001130965.3(SUN1):c.470A>G (p.Asp157Gly)

Gene: SUN1 (Sad1 and UNC84 domain containing 1; plus strand). Cytogenetic location: 7p22.3.
Variant type: single nucleotide variant.
Coding change: c.470A>G on transcript NM_001130965.3 (MANE Select); coding-DNA position 470, A replaced by G.
Protein change: p.Asp157Gly; replaces aspartic acid 157 with glycine.
Molecular consequence: missense variant. On other transcripts: 5 prime UTR variant (3), non-coding transcript variant (3), intron variant (1).
Genome position (GRCh38, 1-based): chr7:843,224, A>G. VCF-style: chr7-843224-A-G. GRCh37 (hg19) VCF-style: chr7-882861-A-G.
Other names: c.470A>G, p.Asp157Gly (NM_001367676.1, NM_001367677.1, NM_001367678.1 and 33 more transcripts); c.320A>G, p.Asp107Gly (NM_001367679.1, NM_001367680.1, NM_001367691.1 and 23 more transcripts); c.281A>G, p.Asp94Gly (NM_001367695.1); c.470A>G (NM_001130965.2); c.-98A>G (NM_001367708.1, NM_001367639.1); c.451+1094A>G (NM_001171944.2); c.533A>G, p.Asp178Gly (NM_001171945.2); c.13A>G, p.Ile5Val (NM_001367635.1); and 2 more; short protein forms D107G, D94G, D157G, D230G, I5V, D178G.
Identifiers: ClinVar variation 1040461 (VCV001040461.9), dbSNP rs780997836, ClinGen allele CA4111548.